The following is an entry in ClinVar:

ClinVar aggregate classification (germline): Uncertain significance. Review status: criteria provided, multiple submitters, no conflicts (2 of 4 stars). 2 submissions from 2 submitters: Uncertain significance (2). Last evaluated 2024-09-08.

Conditions:
Hereditary nonpolyposis colorectal neoplasms. Identifiers: MedGen C0009405, MeSH D003123.
Hereditary cancer-predisposing syndrome. Also called: Hereditary Cancer Syndrome; Tumor predisposition; Neoplastic Syndromes, Hereditary; Hereditary neoplastic syndrome. Identifiers: Orphanet 140162, MedGen C0027672, MeSH D009386, MONDO:0015356.

Submissions (2):

Ambry Genetics
Classification: Uncertain significance for Hereditary cancer-predisposing syndrome. Last evaluated: 2024-09-08. Review status: criteria provided, single submitter. Criteria: Ambry Variant Classification Scheme 2023. Collection method: clinical testing. Allele origin: germline.
Comment: The p.K413N variant (also known as c.1239A>C), located in coding exon 11 of the PMS2 gene, results from an A to C substitution at nucleotide position 1239. The lysine at codon 413 is replaced by asparagine, an amino acid with similar properties. This amino acid position is conserved. In addition, this alteration is predicted to be tolerated by in silico analysis. Based on the available evidence, the clinical significance of this variant remains unclear.

Labcorp Genetics (formerly Invitae), Labcorp
Classification: Uncertain significance for Hereditary nonpolyposis colorectal neoplasms. Last evaluated: 2023-10-09. Review status: criteria provided, single submitter. Criteria: Invitae Variant Classification Sherloc (09022015). Collection method: clinical testing. Allele origin: germline.
Comment: This sequence change replaces lysine, which is basic and polar, with asparagine, which is neutral and polar, at codon 413 of the PMS2 protein (p.Lys413Asn). This variant is not present in population databases (gnomAD no frequency). This variant has not been reported in the literature in individuals affected with PMS2-related conditions. Advanced modeling of protein sequence and biophysical properties (such as structural, functional, and spatial information, amino acid conservation, physicochemical variation, residue mobility, and thermodynamic stability) performed at Invitae indicates that this missense variant is not expected to disrupt PMS2 protein function. In summary, the available evidence is currently insufficient to determine the role of this variant in disease. Therefore, it has been classified as a Variant of Uncertain Significance.

NM_000535.7(PMS2):c.1239A>C (p.Lys413Asn)

Gene: PMS2 (PMS1 homolog 2, mismatch repair system component; minus strand). Cytogenetic location: 7p22.1.
Variant type: single nucleotide variant.
Coding change: c.1239A>C on transcript NM_000535.7 (MANE Select); coding-DNA position 1239, A replaced by C.
Protein change: p.Lys413Asn; replaces lysine 413 with asparagine.
Molecular consequence: missense variant. On other transcripts: intron variant (1), non-coding transcript variant (1).
Genome position (GRCh38, 1-based): chr7:5,987,526, T>G on the plus strand (A>C on the coding strand, the complement: PMS2 is on the minus strand). VCF-style: chr7-5987526-T-G. GRCh37 (hg19) VCF-style: chr7-6027157-T-G.
Other names: c.804-4535A>C (NM_001406912.1); c.834A>C, p.Lys278Asn (NM_001322009.2, NM_001406898.1, NM_001406899.1 and 17 more transcripts); c.678A>C, p.Lys226Asn (NM_001322010.2, NM_001406906.1, NM_001406907.1); c.306A>C, p.Lys102Asn (NM_001322011.2, NM_001322012.2); c.666A>C, p.Lys222Asn (NM_001322013.2, NM_001406909.1); c.1239A>C, p.Lys413Asn (NM_001322014.2, NM_001406871.1, NM_001406872.1); c.930A>C, p.Lys310Asn (NM_001322015.2, NM_001406879.1, NM_001406880.1 and 5 more transcripts); c.1425A>C, p.Lys475Asn (NM_001406866.1); and 13 more; short protein forms K258N, K291N, K156N, K278N, K305N, K347N, K357N, K377N.
Identifiers: ClinVar variation 2730794 (VCV002730794.4), dbSNP rs1244752544, ClinGen allele CA366742501.